The following is an entry in ClinVar:

NM_000422.3(KRT17):c.744C>A (p.Asp248Glu)

Gene: KRT17 (keratin 17; minus strand). Cytogenetic location: 17q21.2.
Variant type: single nucleotide variant.
Coding change: c.744C>A on transcript NM_000422.3 (MANE Select); coding-DNA position 744, C replaced by A.
Protein change: p.Asp248Glu; replaces aspartic acid 248 with glutamic acid.
Molecular consequence: missense variant.
Genome position (GRCh38, 1-based): chr17:41,621,683, G>T on the plus strand (C>A on the coding strand, the complement: KRT17 is on the minus strand). VCF-style: chr17-41621683-G-T. GRCh37 (hg19) VCF-style: chr17-39777935-G-T.
Other names: short protein forms D248E.
Identifiers: ClinVar variation 2696297 (VCV002696297.3), dbSNP rs759164750, ClinGen allele CA399505845.

ClinVar aggregate classification (germline): Uncertain significance (1 of 4 stars; one submission).

gnomAD v4.1: 1 of 1,612,240 alleles (0.000062%); no homozygotes.

Submission:

Labcorp Genetics (formerly Invitae), Labcorp
Classification: Uncertain significance. Last evaluated: 2023-11-24. Review status: criteria provided, single submitter. Criteria: Invitae Variant Classification Sherloc (09022015). Collection method: clinical testing. Allele origin: germline.
Comment: This sequence change replaces aspartic acid, which is acidic and polar, with glutamic acid, which is acidic and polar, at codon 248 of the KRT17 protein (p.Asp248Glu). This variant is not present in population databases (gnomAD no frequency). This variant has not been reported in the literature in individuals affected with KRT17-related conditions. Advanced modeling of protein sequence and biophysical properties (such as structural, functional, and spatial information, amino acid conservation, physicochemical variation, residue mobility, and thermodynamic stability) performed at Invitae indicates that this missense variant is expected to disrupt KRT17 protein function with a positive predictive value of 80%. In summary, the available evidence is currently insufficient to determine the role of this variant in disease. Therefore, it has been classified as a Variant of Uncertain Significance.